The following is an entry in ClinVar:

NM_000051.4(ATM):c.4110G>C (p.Gly1370=)

Gene: ATM (ATM serine/threonine kinase; plus strand). Cytogenetic location: 11q22.3.
Variant type: single nucleotide variant.
Coding change: c.4110G>C on transcript NM_000051.4 (MANE Select); coding-DNA position 4110, G replaced by C.
Protein change: p.Gly1370=; no amino-acid change (glycine 1370 retained).
Molecular consequence: synonymous variant.
Genome position (GRCh38, 1-based): chr11:108,288,977, G>C. VCF-style: chr11-108288977-G-C. GRCh37 (hg19) VCF-style: chr11-108159704-G-C.
Other names: c.4110G>C, p.Gly1370= (NM_001351834.2).
Identifiers: ClinVar variation 1490035 (VCV001490035.10), dbSNP rs2082638172, ClinGen allele CA476673669.

ClinVar aggregate classification (germline): Conflicting classifications of pathogenicity. Review status: criteria provided, conflicting classifications (1 of 4 stars). 3 submissions from 3 submitters: Uncertain significance (2); Likely benign (1). Last evaluated 2025-09-07.

Conditions:
Ataxia-telangiectasia syndrome (AT). Also called: LOUIS-BAR SYNDROME; Ataxia-telangiectasia; Cerebello-oculocutaneous telangiectasia; Immunodeficiency with ataxia telangiectasia; ATAXIA-TELANGIECTASIA, COMPLEMENTATION GROUP A; ATAXIA-TELANGIECTASIA, FRESNO VARIANT. Identifiers: Orphanet 100, MedGen C0004135, MONDO:0008840, OMIM 208900.
Hereditary cancer-predisposing syndrome. Also called: Neoplastic Syndromes, Hereditary; Tumor predisposition; Hereditary neoplastic syndrome; Hereditary Cancer Syndrome. Identifiers: Orphanet 140162, MedGen C0027672, MeSH D009386, MONDO:0015356.

Submissions (3):

Ambry Genetics
Classification: Likely benign for Hereditary cancer-predisposing syndrome. Last evaluated: 2025-09-07. Review status: criteria provided, single submitter. Criteria: Ambry Variant Classification Scheme 2023. Collection method: clinical testing. Allele origin: germline.

Sema4
Classification: Uncertain significance for Hereditary cancer-predisposing syndrome. Last evaluated: 2022-01-12. Review status: criteria provided, single submitter. Criteria: Sema4 Curation Guidelines. Collection method: curation. Allele origin: germline.
Comment: The ATM c.4110G>C (p.G1370=) variant has not been reported in the literature to our knowledge. It was not observed in the large and broad cohorts of the Genome Aggregation Database (PMID: 32461654). This variant has not been reported in ClinVar. In silico tools that predict the effect of sequence changes on splicing suggest that this variant may impact splicing, though these predictions have not been confirmed by functional studies. The evidence is insufficient to meet ACMG/AMP criteria for classifying the variant as benign or pathogenic. Thus, the clinical significance of this variant is currently uncertain.

Labcorp Genetics (formerly Invitae), Labcorp
Classification: Uncertain significance for Ataxia-telangiectasia syndrome. Last evaluated: 2021-05-09. Review status: criteria provided, single submitter. Criteria: Invitae Variant Classification Sherloc (09022015). Collection method: clinical testing. Allele origin: germline.
Comment: In summary, the available evidence is currently insufficient to determine the role of this variant in disease. Therefore, it has been classified as a Variant of Uncertain Significance. Algorithms developed to predict the effect of sequence changes on RNA splicing suggest that this variant may disrupt the consensus splice site, but this prediction has not been confirmed by published transcriptional studies. This variant has not been reported in the literature in individuals with ATM-related conditions. This variant is not present in population databases (ExAC no frequency). This sequence change affects codon 1370 of the ATM mRNA. It is a 'silent' change, meaning that it does not change the encoded amino acid sequence of the ATM protein.